The following is an entry in ClinVar:

NM_007255.3(B4GALT7):c.791G>A (p.Arg264Gln)

Gene: B4GALT7 (beta-1,4-galactosyltransferase 7; plus strand). Cytogenetic location: 5q35.3.
Variant type: single nucleotide variant.
Coding change: c.791G>A on transcript NM_007255.3 (MANE Select); coding-DNA position 791, G replaced by A.
Protein change: p.Arg264Gln; replaces arginine 264 with glutamine.
Molecular consequence: missense variant.
Genome position (GRCh38, 1-based): chr5:177,608,977, G>A. VCF-style: chr5-177608977-G-A. GRCh37 (hg19) VCF-style: chr5-177035978-G-A.
Other names: p.Arg264Gln; c.791G>A (NM_007255.2); short protein forms R264Q.
Identifiers: ClinVar variation 284046 (VCV000284046.14), dbSNP rs375644526, ClinGen allele CA3586687.
Genomic context (GRCh38, chr5:177,608,977, plus strand): 5'-GCCCCTCGGGAATCACAACTGGGTACAAGACATTTCGCCACCTGCATGACCCAGCCTGGC[G>A]GAAGAGGGACCAGAAGCGCATCGCAGCTCAAAAACAGGTGCTGGCAGGGCTCCTCATTGG-3'
Protein context (NP_009186.1, residues 254-274): TFRHLHDPAW[Arg264Gln]KRDQKRIAAQ

ClinVar aggregate classification (germline): Uncertain significance. Review status: criteria provided, multiple submitters, no conflicts (2 of 4 stars). 6 submissions from 6 submitters: Uncertain significance (6). Last evaluated 2025-12-17.

Conditions:
Ehlers-Danlos syndrome, spondylodysplastic type, 1 (EDSSPD1). Also called: Ehlers-Danlos syndrome progeroid type; XGPT DEFICIENCY; XYLOSYLPROTEIN 4-BETA-GALACTOSYLTRANSFERASE DEFICIENCY; DERMATAN SULFATE PROTEOGLYCAN; EHLERS-DANLOS SYNDROME, PROGEROID TYPE, 1; GALACTOSYLTRANSFERASE I DEFICIENCY. Identifiers: Orphanet 75496, MedGen C4552003, MONDO:0020682, OMIM 130070.
Inborn genetic diseases. Identifiers: MedGen C0950123, MeSH D030342.

Allele frequency attached by ClinVar (database versions not stated): gnomAD exomes 0.00008; TOPMed 0.00008; gnomAD 0.00013; ESP Exome Variant Server 0.00015.
gnomAD v4.1: 153 of 1,613,062 alleles (0.0095%); highest among the groups gnomAD compares: Non-Finnish European, 0.012%; no homozygotes.

Submissions (6):

Mayo Clinic Laboratories, Mayo Clinic
Classification: Uncertain significance. Last evaluated: 2025-12-17. Review status: criteria provided, single submitter. Criteria: ACMG Guidelines, 2015. Collection method: clinical testing. Allele origin: germline. Observed: 1 variant allele.

Ambry Genetics
Classification: Uncertain significance for Inborn genetic diseases. Last evaluated: 2025-01-07. Review status: criteria provided, single submitter. Criteria: Ambry Variant Classification Scheme 2023. Collection method: clinical testing. Allele origin: germline.

Labcorp Genetics (formerly Invitae), Labcorp
Classification: Uncertain significance for Spondylodysplastic Ehlers-Danlos syndrome. Last evaluated: 2024-10-29. Review status: criteria provided, single submitter. Criteria: Invitae Variant Classification Sherloc (09022015). Collection method: clinical testing. Allele origin: germline.
Comment: This sequence change replaces arginine, which is basic and polar, with glutamine, which is neutral and polar, at codon 264 of the B4GALT7 protein (p.Arg264Gln). This variant is present in population databases (rs375644526, gnomAD 0.01%). This variant has not been reported in the literature in individuals affected with B4GALT7-related conditions. ClinVar contains an entry for this variant (Variation ID: 284046). Invitae Evidence Modeling of protein sequence and biophysical properties (such as structural, functional, and spatial information, amino acid conservation, physicochemical variation, residue mobility, and thermodynamic stability) has been performed for this missense variant. However, the output from this modeling did not meet the statistical confidence thresholds required to predict the impact of this variant on B4GALT7 protein function. In summary, the available evidence is currently insufficient to determine the role of this variant in disease. Therefore, it has been classified as a Variant of Uncertain Significance.

Blueprint Genetics
Classification: Uncertain significance. Last evaluated: 2024-10-07. Review status: criteria provided, single submitter. Criteria: ACMG Guidelines, 2015. Collection method: clinical testing. Allele origin: germline.

Revvity Omics, Revvity
Classification: Uncertain significance for Ehlers-Danlos syndrome, spondylodysplastic type, 1. Last evaluated: 2019-03-14. Review status: criteria provided, single submitter. Criteria: ACMG Guidelines, 2015. Collection method: clinical testing. Allele origin: germline.

Eurofins Ntd Llc (ga)
Classification: Uncertain significance. Last evaluated: 2016-06-30. Review status: criteria provided, single submitter. Criteria: EGL Classification Definitions 2015. Collection method: clinical testing. Allele origin: germline. Observed: 1 variant allele, 1 heterozygote.